The following is an entry in ClinVar:

ClinVar aggregate classification (germline): Benign. Review status: criteria provided, single submitter (1 of 4 stars). 2 submissions from 2 submitters: Benign (1). 1 of the submissions does not count toward it. Last evaluated 2023-04-11.

Conditions:
CAMTA1-related disorder. Also called: CAMTA1-related condition.
Cerebellar dysfunction with variable cognitive and behavioral abnormalities (CECBA). Also called: Nonprogressive cerebellar atxia with intellectual disability. Identifiers: Orphanet 314647, MedGen C3553661, MONDO:0013886, OMIM 614756.

Allele frequency attached by ClinVar (database versions not stated): TOPMed 0.17466; gnomAD 0.18255; ExAC 0.19086; 1000 Genomes Project 30x 0.20597; 1000 Genomes Project 0.20827.
gnomAD v4.1: 273,693 of 1,534,720 alleles (18%); highest among the groups gnomAD compares: East Asian, 29%; 25,160 homozygotes.

Submissions (2):

Genome-Nilou Lab
Classification: Benign for Cerebellar dysfunction with variable cognitive and behavioral abnormalities. Last evaluated: 2023-04-11. Review status: criteria provided, single submitter. Criteria: ACMG Guidelines, 2015. Collection method: clinical testing. Allele origin: germline. Affected: no.

PreventionGenetics, part of Exact Sciences
Classification: Benign for CAMTA1-related condition. Last evaluated: 2019-09-06. Review status: no assertion criteria provided. Collection method: clinical testing. Allele origin: germline. Not counted in ClinVar's aggregate classification.
Comment: This variant is classified as benign based on ACMG/AMP sequence variant interpretation guidelines (Richards et al. 2015 PMID: 25741868, with internal and published modifications).

NM_015215.4(CAMTA1):c.234+62447C>T

Gene: CAMTA1 (calmodulin binding transcription activator 1; plus strand). Cytogenetic location: 1p36.31.
Variant type: single nucleotide variant.
Coding change: c.234+62447C>T on transcript NM_015215.4 (MANE Select); 62447 bases into the intron after coding-DNA position 234, C replaced by T.
Molecular consequence: intron variant. On other transcripts: missense variant (1), non-coding transcript variant (3).
Genome position (GRCh38, 1-based): chr1:6,887,657, C>T. VCF-style: chr1-6887657-C-T. GRCh37 (hg19) VCF-style: chr1-6947717-C-T.
Other names: c.238C>T, p.Leu80Phe (NM_001242701.2); c.234+62447C>T (NM_001349609.2, NM_001349610.2, NM_001410737.1 and 1 more transcripts); c.144+62447C>T (NM_001349608.2, NM_001349612.2); c.238C>T (NM_001242701.1); short protein forms L80F.
Identifiers: ClinVar variation 2585662 (VCV002585662.3), dbSNP rs3810982, ClinGen allele CA566090.